The following is an entry in ClinVar:

NM_000548.5(TSC2):c.4337C>T (p.Pro1446Leu)

Gene: TSC2 (TSC complex subunit 2; plus strand). Cytogenetic location: 16p13.3.
Variant type: single nucleotide variant.
Coding change: c.4337C>T on transcript NM_000548.5 (MANE Select); coding-DNA position 4337, C replaced by T.
Protein change: p.Pro1446Leu; replaces proline 1446 with leucine.
Molecular consequence: missense variant.
Genome position (GRCh38, 1-based): chr16:2,084,559, C>T. VCF-style: chr16-2084559-C-T. GRCh37 (hg19) VCF-style: chr16-2134560-C-T.
Other names: c.4136C>T, p.Pro1379Leu (NM_001077183.3); c.4268C>T, p.Pro1423Leu (NM_001114382.3); c.4028C>T, p.Pro1343Leu (NM_001318827.2); c.3992C>T, p.Pro1331Leu (NM_001318829.2); c.3605C>T, p.Pro1202Leu (NM_001318831.2); c.4169C>T, p.Pro1390Leu (NM_001318832.2); c.4139C>T, p.Pro1380Leu (NM_001363528.2); c.4205C>T, p.Pro1402Leu (NM_001370404.1); and 1 more; short protein forms P1331L, P1379L, P1402L, P1403L, P1423L, P1343L, P1446L, P1390L.
Identifiers: ClinVar variation 945452 (VCV000945452.15), dbSNP rs2090523005, ClinGen allele CA394301481.

ClinVar aggregate classification (germline): Uncertain significance. Review status: criteria provided, multiple submitters, no conflicts (2 of 4 stars). 4 submissions from 4 submitters: Uncertain significance (4). Last evaluated 2025-12-23.

Conditions:
Hereditary cancer-predisposing syndrome. Also called: Neoplastic Syndromes, Hereditary; Hereditary neoplastic syndrome; Hereditary Cancer Syndrome; Tumor predisposition. Identifiers: Orphanet 140162, MedGen C0027672, MeSH D009386, MONDO:0015356.
Tuberous sclerosis 2 (TSC2). Identifiers: Orphanet 805, MedGen C1860707, MONDO:0013199, OMIM 613254.
Tuberous sclerosis syndrome (TSC). Also called: Tuberous Sclerosis Complex; Tuberous sclerosis. Identifiers: Orphanet 805, MedGen C0041341, MONDO:0001734.

Allele frequency attached by ClinVar (database versions not stated): gnomAD exomes below 0.00001; TOPMed below 0.00001.
gnomAD v4.1: 3 of 1,608,832 alleles (0.00019%); highest among the groups gnomAD compares: South Asian, 0.0022%; no homozygotes.

Submissions (4):

Labcorp Genetics (formerly Invitae), Labcorp
Classification: Uncertain significance for Tuberous sclerosis 2. Last evaluated: 2025-12-23. Review status: criteria provided, single submitter. Criteria: Invitae Variant Classification Sherloc (09022015). Collection method: clinical testing. Allele origin: germline.
Comment: This sequence change replaces proline, which is neutral and non-polar, with leucine, which is neutral and non-polar, at codon 1446 of the TSC2 protein (p.Pro1446Leu). This variant is not present in population databases (gnomAD no frequency). This variant has not been reported in the literature in individuals affected with TSC2-related conditions. ClinVar contains an entry for this variant (Variation ID: 945452). Invitae Evidence Modeling of protein sequence and biophysical properties (such as structural, functional, and spatial information, amino acid conservation, physicochemical variation, residue mobility, and thermodynamic stability) indicates that this missense variant is not expected to disrupt TSC2 protein function with a negative predictive value of 95%. In summary, the available evidence is currently insufficient to determine the role of this variant in disease. Therefore, it has been classified as a Variant of Uncertain Significance.

Ambry Genetics
Classification: Uncertain significance for Hereditary cancer-predisposing syndrome. Last evaluated: 2025-02-07. Review status: criteria provided, single submitter. Criteria: Ambry Variant Classification Scheme 2023. Collection method: clinical testing. Allele origin: germline.
Comment: The p.P1446L variant (also known as c.4337C>T), located in coding exon 33 of the TSC2 gene, results from a C to T substitution at nucleotide position 4337. The proline at codon 1446 is replaced by leucine, an amino acid with similar properties. This amino acid position is not well conserved in available vertebrate species. In addition, the in silico prediction for this alteration is inconclusive. Based on the available evidence, the clinical significance of this variant remains unclear.

Quest Diagnostics Nichols Institute San Juan Capistrano
Classification: Uncertain significance. Last evaluated: 2024-11-19. Review status: criteria provided, single submitter. Criteria: Quest Diagnostics criteria. Collection method: clinical testing. Allele origin: unknown.
Comment: The TSC2 c.4337C>T (p.Pro1446Leu) variant has not been reported in individuals with TSC2-related conditions in the published literature. It also has not been reported in large, multi-ethnic general populations (Genome Aggregation Database). Analysis of this variant using bioinformatics tools for the prediction of the effect of amino acid changes on protein structure and function yielded predictions that this variant is benign. Based on the available information, we are unable to determine the clinical significance of this variant.

All of Us Research Program, National Institutes of Health
Classification: Uncertain significance for Tuberous sclerosis syndrome. Last evaluated: 2024-05-09. Review status: criteria provided, single submitter. Criteria: ACMG Guidelines, 2015. Collection method: clinical testing. Allele origin: germline. Inheritance: Autosomal dominant inheritance. Observed: 1 variant allele, 1 heterozygote.
Comment: This study involves interpretation of variants in research participants for the purpose of population health screening. Participant phenotype was not available at the time of variant classification. Additional details can be found in publication PMID: 35346344, PMCID: PMC8962531